The following is an entry in ClinVar:

NM_144639.3(UROC1):c.1941C>T (p.Cys647=)

Gene: UROC1 (urocanate hydratase 1; minus strand). Cytogenetic location: 3q21.3.
Variant type: single nucleotide variant.
Coding change: c.1941C>T on transcript NM_144639.3 (MANE Select); coding-DNA position 1941, C replaced by T.
Protein change: p.Cys647=; no amino-acid change (cysteine 647 retained).
Molecular consequence: synonymous variant.
Genome position (GRCh38, 1-based): chr3:126,482,435, G>A on the plus strand (C>T on the coding strand, the complement: UROC1 is on the minus strand). VCF-style: chr3-126482435-G-A. GRCh37 (hg19) VCF-style: chr3-126201278-G-A.
Other names: c.1941C>T (NM_144639.2); c.2121C>T, p.Cys707= (NM_001165974.2).
Identifiers: ClinVar variation 2672951 (VCV002672951.24), dbSNP rs145891023, ClinGen allele CA2590787.

ClinVar aggregate classification (germline): Likely benign. Review status: criteria provided, single submitter (1 of 4 stars). 2 submissions from 2 submitters: Likely benign (1). 1 of the submissions does not count toward it. Last evaluated 2023-11-01.

Conditions:
UROC1-related disorder. Also called: UROC1-related condition.

Allele frequency attached by ClinVar (database versions not stated): TOPMed 0.00023; gnomAD 0.00026; ESP Exome Variant Server 0.00038; gnomAD exomes 0.00042; ExAC 0.00044.
gnomAD v4.1: 652 of 1,613,904 alleles (0.04%); highest among the groups gnomAD compares: Non-Finnish European, 0.05%; 2 homozygotes.

Submissions (2):

CeGaT Center for Human Genetics Tuebingen
Classification: Likely benign. Last evaluated: 2023-11-01. Review status: criteria provided, single submitter. Criteria: CeGaT Center For Human Genetics Tuebingen Variant Classification Criteria Version 2. Collection method: clinical testing. Allele origin: germline. Affected: yes. Observed: 1 variant allele.
Comment: UROC1: BP4, BP7

PreventionGenetics, part of Exact Sciences
Classification: Likely benign for UROC1-related condition. Last evaluated: 2019-05-03. Review status: no assertion criteria provided. Collection method: clinical testing. Allele origin: germline. Not counted in ClinVar's aggregate classification.
Comment: This variant is classified as likely benign based on ACMG/AMP sequence variant interpretation guidelines (Richards et al. 2015 PMID: 25741868, with internal and published modifications).